The following is an entry in ClinVar:

ClinVar aggregate classification (germline): Uncertain significance (1 of 4 stars; one submission).

Conditions:
Myofibrillar myopathy 4. Also called: Zaspopathy (type). Identifiers: Orphanet 98912, MedGen C4721886, MONDO:0012277, OMIM 609452.

Submission:

Labcorp Genetics (formerly Invitae), Labcorp
Classification: Uncertain significance for Myofibrillar myopathy 4. Last evaluated: 2024-09-30. Review status: criteria provided, single submitter. Criteria: Invitae Variant Classification Sherloc (09022015). Collection method: clinical testing. Allele origin: germline.
Comment: The LDB3 gene has multiple clinically relevant transcripts. This variant occurs in alternate transcript NM_007078.3, and corresponds to NM_001080116.1:c.*7235_*7252del in the primary transcript. This variant, c.975_992del, results in the deletion of 6 amino acid(s) of the LDB3 protein (p.Ala327_Ala332del), but otherwise preserves the integrity of the reading frame. This variant is not present in population databases (gnomAD no frequency). This variant has not been reported in the literature in individuals affected with LDB3-related conditions. Experimental studies and prediction algorithms are not available or were not evaluated, and the functional significance of this variant is currently unknown. In summary, the available evidence is currently insufficient to determine the role of this variant in disease. Therefore, it has been classified as a Variant of Uncertain Significance.

NM_007078.3(LDB3):c.975_992del (p.Ala327_Ala332del)

Gene: LDB3 (LIM domain binding 3; plus strand). Cytogenetic location: 10q23.2.
Variant type: Deletion.
Coding change: c.975_992del on transcript NM_007078.3 (MANE Select); coding-DNA positions 975 to 992, 18 bases deleted (TGCTGCCTCTCCCAGTGC).
Protein change: p.Ala327_Ala332del.
Molecular consequence: intron variant (on NM_001368064.1).
Genome position (GRCh38, 1-based): chr10:86,706,609-86,706,626, TGCTGCCTCTCCCAGTGC deleted; deleting any 18 consecutive bases within chr10:86,706,606-86,706,626 gives the same sequence; the c. name uses the placement nearest the transcript's 3' end. VCF-style (leftmost placement, unchanged base first): chr10-86706605-CTGCTGCTGCCTCTCCCAG-C. GRCh37 (hg19) VCF-style: chr10-88466362-CTGCTGCTGCCTCTCCCAG-C.
Other names: c.834_851del, p.Ala280_Ala285del (NM_001368066.1); c.897-3296_897-3279del (NM_001368064.1, NM_001368065.1); c.1101-3296_1101-3279del (NM_001171610.2); c.756-3296_756-3279del (NM_001080114.2).
Identifiers: ClinVar variation 3708371 (VCV003708371.2).